The following is an entry in ClinVar:

ClinVar aggregate classification (germline): Uncertain significance (1 of 4 stars; one submission).

Submission:

Labcorp Genetics (formerly Invitae), Labcorp
Classification: Uncertain significance. Last evaluated: 2025-10-28. Review status: criteria provided, single submitter. Criteria: Invitae Variant Classification Sherloc (09022015). Collection method: clinical testing. Allele origin: germline.
Comment: This sequence change replaces tryptophan, which is neutral and slightly polar, with arginine, which is basic and polar, at codon 209 of the LHX3 protein (p.Trp209Arg). This variant is not present in population databases (gnomAD no frequency). This variant has not been reported in the literature in individuals affected with LHX3-related conditions. An algorithm developed to predict the effect of missense changes on protein structure and function (PolyPhen-2) suggests that this variant is likely to be tolerated. In summary, the available evidence is currently insufficient to determine the role of this variant in disease. Therefore, it has been classified as a Variant of Uncertain Significance.

NM_178138.6(LHX3):c.610T>C (p.Trp204Arg)

Gene: LHX3 (LIM homeobox 3; minus strand). Cytogenetic location: 9q34.3.
Variant type: single nucleotide variant.
Coding change: c.610T>C on transcript NM_178138.6 (MANE Select); coding-DNA position 610, T replaced by C.
Protein change: p.Trp204Arg; replaces tryptophan 204 with arginine.
Molecular consequence: missense variant.
Genome position (GRCh38, 1-based): chr9:136,198,817, A>G on the plus strand (T>C on the coding strand, the complement: LHX3 is on the minus strand). VCF-style: chr9-136198817-A-G. GRCh37 (hg19) VCF-style: chr9-139090663-A-G.
Other names: c.577T>C, p.Trp193Arg (NM_001363746.1); c.625T>C, p.Trp209Arg (NM_014564.5); short protein forms W193R, W204R, W209R.
Identifiers: ClinVar variation 4811510 (VCV004811510.1).